The following is an entry in ClinVar:

ClinVar aggregate classification (germline): Uncertain significance (1 of 4 stars; one submission).

Conditions:
Brugada syndrome 5 (BRGDA5). Identifiers: Orphanet 130, Orphanet 871, MedGen C2748541, MONDO:0013015, OMIM 612838.

Submission:

Labcorp Genetics (formerly Invitae), Labcorp
Classification: Uncertain significance for Brugada syndrome 5. Last evaluated: 2023-04-04. Review status: criteria provided, single submitter. Criteria: Invitae Variant Classification Sherloc (09022015). Collection method: clinical testing. Allele origin: germline.
Comment: The SCN1B gene has multiple clinically relevant transcripts. This variant occurs in alternate transcript NM_001037.5, and corresponds to NM_199037.3 c.*5097C>T in the primary transcript. This sequence change replaces alanine, which is neutral and non-polar, with valine, which is neutral and non-polar, at codon 176 of the SCN1B protein (p.Ala176Val). This variant is not present in population databases (gnomAD no frequency). This variant has not been reported in the literature in individuals affected with SCN1B-related conditions. Experimental studies and prediction algorithms are not available or were not evaluated, and the functional significance of this variant is currently unknown. In summary, the available evidence is currently insufficient to determine the role of this variant in disease. Therefore, it has been classified as a Variant of Uncertain Significance.

NM_001037.5(SCN1B):c.527C>T (p.Ala176Val)

Gene: SCN1B (sodium voltage-gated channel beta subunit 1; plus strand). Cytogenetic location: 19q13.11.
Variant type: single nucleotide variant.
Coding change: c.527C>T on transcript NM_001037.5 (MANE Select); coding-DNA position 527, C replaced by T.
Protein change: p.Ala176Val; replaces alanine 176 with valine.
Molecular consequence: missense variant.
Genome position (GRCh38, 1-based): chr19:35,039,195, C>T. VCF-style: chr19-35039195-C-T. GRCh37 (hg19) VCF-style: chr19-35530099-C-T.
Other names: c.428C>T, p.Ala143Val (NM_001321605.2); short protein forms A176V, A143V.
Identifiers: ClinVar variation 2849352 (VCV002849352.3), dbSNP rs2514240951, ClinGen allele CA405330061.